The following is an entry in ClinVar:

ClinVar aggregate classification (germline): Uncertain significance. Review status: criteria provided, multiple submitters, no conflicts (2 of 4 stars). 2 submissions from 2 submitters: Uncertain significance (2). Last evaluated 2025-05-25.

Conditions:
Cardiovascular phenotype. Identifiers: MedGen CN230736.
Long QT syndrome (LQTS). Identifiers: MedGen C0023976, MeSH D008133, MONDO:0002442. Disease mechanism: loss of function. Inheritance: Various modes of inheritance.

gnomAD v4.1: 5 of 1,613,924 alleles (0.00031%); highest among the groups gnomAD compares: African/African-American, 0.0053%; no homozygotes.

Submissions (2):

Labcorp Genetics (formerly Invitae), Labcorp
Classification: Uncertain significance for Long QT syndrome. Last evaluated: 2025-05-25. Review status: criteria provided, single submitter. Criteria: Invitae Variant Classification Sherloc (09022015). Collection method: clinical testing. Allele origin: germline.
Comment: This sequence change replaces serine, which is neutral and polar, with glycine, which is neutral and non-polar, at codon 3508 of the ANK2 protein (p.Ser3508Gly). This variant is present in population databases (no rsID available, gnomAD 0.007%). This variant has not been reported in the literature in individuals affected with ANK2-related conditions. ClinVar contains an entry for this variant (Variation ID: 3864019). An algorithm developed to predict the effect of missense changes on protein structure and function (PolyPhen-2) suggests that this variant is likely to be disruptive. In summary, the available evidence is currently insufficient to determine the role of this variant in disease. Therefore, it has been classified as a Variant of Uncertain Significance.

Ambry Genetics
Classification: Uncertain significance for Cardiovascular phenotype. Last evaluated: 2025-01-10. Review status: criteria provided, single submitter. Criteria: Ambry Variant Classification Scheme 2023. Collection method: clinical testing. Allele origin: germline.
Comment: The p.S3508G variant (also known as c.10522A>G), located in coding exon 38 of the ANK2 gene, results from an A to G substitution at nucleotide position 10522. The serine at codon 3508 is replaced by glycine, an amino acid with similar properties. This amino acid position is conserved. In addition, the in silico prediction for this alteration is inconclusive. Based on the available evidence, the clinical significance of this variant remains unclear.

NM_001148.6(ANK2):c.10522A>G (p.Ser3508Gly)

Gene: ANK2 (ankyrin 2; plus strand). Cytogenetic location: 4q26.
Variant type: single nucleotide variant.
Coding change: c.10522A>G on transcript NM_001148.6 (MANE Select); coding-DNA position 10522, A replaced by G.
Protein change: p.Ser3508Gly; replaces serine 3508 with glycine.
Molecular consequence: missense variant. On other transcripts: intron variant (68).
Genome position (GRCh38, 1-based): chr4:113,359,140, A>G. VCF-style: chr4-113359140-A-G. GRCh37 (hg19) VCF-style: chr4-114280296-A-G.
Other names: c.10288A>G, p.Ser3430Gly (NM_001386142.1); c.6922A>G, p.Ser2308Gly (NM_001386166.1); c.10663A>G, p.Ser3555Gly (NM_001386174.1); c.10639A>G, p.Ser3547Gly (NM_001386175.1); c.4412-1683A>G (NM_001386186.2, NM_001386148.2); c.4214-1683A>G (NM_001354269.3); c.4292-1683A>G (NM_001386187.2); c.4253-1683A>G (NM_001386147.1); and 35 more; short protein forms S3508G, S3547G, S3555G, S2308G, S3430G.
Identifiers: ClinVar variation 3864019 (VCV003864019.2).
Genomic context (GRCh38, chr4:113,359,140, plus strand): 5'-TTAGTGGATAGGCTGACACAGTCAGAGAGGGAGCAGGAAATAGTTTCAGACGATGAAAGT[A>G]GTAGTGCCCTGGAAGTATCAGTAATTGAAAATCTGCCACCTGTTGAGACCGAGCACTCAG-3'
Protein context (NP_001139.3, residues 3498-3518): EQEIVSDDES[Ser3508Gly]SALEVSVIEN